The following is an entry in ClinVar:

ClinVar aggregate classification (germline): Likely pathogenic (0 of 4 stars; one submission).

Conditions:
Pyruvate dehydrogenase E1-alpha deficiency (PDHAD). Also called: ATAXIA, INTERMITTENT, WITH PYRUVATE DEHYDROGENASE DEFICIENCY; ATAXIA WITH LACTIC ACIDOSIS I; ATAXIA, INTERMITTENT, WITH ABNORMAL PYRUVATE METABOLISM; Ataxia, intermittent, with pyruvate dehydrogenase, or decarboxylase, deficiency. Identifiers: Orphanet 79243, MedGen C1839413, MONDO:0010717, OMIM 312170.

Submission:

PDHA1 Study Group, University Children’s Hospital, Paracelsus Medical University
Classification: Likely pathogenic for Pyruvate dehydrogenase E1-alpha deficiency. Last evaluated: 2024-10-15. Review status: no assertion criteria provided. Collection method: research. Allele origin: de novo. Affected: yes. Observed: 1 variant allele.
Comment: The NM_000284.3:c.451G>A (p.Gly151Arg) substitution is a missense variant in PDHA1 gene. Among them, 1 case had confirmed de novo occurrence. The variant has been reported in 1 published case (PMIDs: 26944031). Last literature search: July 12, 2024. This variant is absent or extremely rare in population-based cohorts in the Genome Aggregation Database (gnomAD). Individuals harboring this variant presented with clinical features compatible with PDHA1-related PDHc deficiency. In summary, this variant meets criteria to be classified as likely pathogenic (LP) for PDHA1-related PDHc deficiency based on the ACMG/AMP criteria applied: PS2, PM1, PM2, PP3 (last assessment October 15, 2024).

Literature cited by the submitters: PubMed 26944031; DOI 10.1093/brain/awaf430.

NM_000284.4(PDHA1):c.451G>A (p.Gly151Arg)

Gene: PDHA1 (pyruvate dehydrogenase E1 subunit alpha 1; plus strand). Cytogenetic location: Xp22.12.
Variant type: single nucleotide variant.
Coding change: c.451G>A on transcript NM_000284.4 (MANE Select); coding-DNA position 451, G replaced by A.
Protein change: p.Gly151Arg; replaces glycine 151 with arginine.
Molecular consequence: missense variant.
Genome position (GRCh38, 1-based): chrX:19,353,114, G>A. VCF-style: chrX-19353114-G-A. GRCh37 (hg19) VCF-style: chrX-19371232-G-A.
Other names: c.565G>A, p.Gly189Arg (NM_001173454.2); c.472G>A, p.Gly158Arg (NM_001173455.2); c.451G>A, p.Gly151Arg (NM_001173456.2); short protein forms G151R, G158R, G189R.
Identifiers: ClinVar variation 4070325 (VCV004070325.1), dbSNP rs863224151.